The following is an entry in ClinVar:

ClinVar aggregate classification (germline): Pathogenic (1 of 4 stars; one submission).

Conditions:
X-linked Opitz G/BBB syndrome (GBBB). Also called: OPITZ BBBG SYNDROME, TYPE I; OPITZ SYNDROME, X-LINKED; OPITZ-G SYNDROME, TYPE I; Opitz-Frias syndrome; MID1-Related Opitz G/BBB Syndrome. Identifiers: Orphanet 2745, MedGen C2936904, MONDO:0010222, OMIM 300000.

Submission:

Myriad Genetics, Inc.
Classification: Pathogenic for X-linked Opitz G/BBB syndrome. Last evaluated: 2024-05-25. Review status: criteria provided, single submitter. Criteria: Myriad Autosomal Dominant, Autosomal Recessive and X-Linked Classification Criteria (2023). Collection method: clinical testing. Allele origin: unknown.
Comment: NM_000381.3(MID1):c.661C>T(Q221*) is expected to be pathogenic in the context of Opitz G/BBB syndrome, MID1-related. This variant is predicted to lead to an abnormal or absent protein product due to the creation of a premature termination codon in MID1, a gene where loss-of-function variants are known to be pathogenic. Please note: this variant was assessed in the context of healthy population screening.

NM_000381.4(MID1):c.661C>T (p.Gln221Ter)

Gene: MID1 (midline 1; minus strand). Cytogenetic location: Xp22.2.
Variant type: single nucleotide variant.
Coding change: c.661C>T on transcript NM_000381.4 (MANE Select); coding-DNA position 661, C replaced by T.
Protein change: p.Gln221Ter; replaces glutamine 221 with a stop codon.
Molecular consequence: nonsense.
Genome position (GRCh38, 1-based): chrX:10,523,187, G>A on the plus strand (C>T on the coding strand, the complement: MID1 is on the minus strand). VCF-style: chrX-10523187-G-A. GRCh37 (hg19) VCF-style: chrX-10491227-G-A.
Other names: c.661C>T, p.Gln221Ter (NM_001098624.2, NM_001193277.1, NM_001193278.1 and 3 more transcripts); c.547C>T, p.Gln183Ter (NM_001193280.1, NM_033289.2); short protein forms Q183*, Q221*.
Identifiers: ClinVar variation 5013119 (VCV005013119.1).